The following is an entry in ClinVar:

ClinVar aggregate classification (germline): Uncertain significance. Review status: criteria provided, multiple submitters, no conflicts (2 of 4 stars). 3 submissions from 3 submitters: Uncertain significance (3). Last evaluated 2025-07-17.

Conditions:
Hereditary cancer-predisposing syndrome. Also called: Hereditary neoplastic syndrome; Neoplastic Syndromes, Hereditary; Tumor predisposition; Hereditary Cancer Syndrome. Identifiers: Orphanet 140162, MedGen C0027672, MeSH D009386, MONDO:0015356.
Hereditary breast ovarian cancer syndrome. Also called: Hereditary breast and/or ovarian cancer syndrome; Hereditary breast and ovarian cancer syndrome (HBOC); Breast and ovarian cancer; Hereditary breast and ovarian cancer; BRCA1- and BRCA2-Associated Hereditary Breast and Ovarian Cancer; Hereditary breast and ovarian cancer syndrome. Identifiers: Orphanet 145, MedGen C0677776, MeSH D061325, MONDO:0003582. Disease mechanism: loss of function.

Allele frequency attached by ClinVar (database versions not stated): gnomAD exomes 0.00001.

Submissions (3):

Labcorp Genetics (formerly Invitae), Labcorp
Classification: Uncertain significance for Hereditary cancer-predisposing syndrome. Last evaluated: 2025-07-17. Review status: criteria provided, single submitter. Criteria: Invitae Variant Classification Sherloc (09022015). Collection method: clinical testing. Allele origin: germline.
Comment: This sequence change replaces threonine, which is neutral and polar, with alanine, which is neutral and non-polar, at codon 183 of the RAD50 protein (p.Thr183Ala). This variant is not present in population databases (gnomAD no frequency). This variant has not been reported in the literature in individuals affected with RAD50-related conditions. ClinVar contains an entry for this variant (Variation ID: 830253). Invitae Evidence Modeling of protein sequence and biophysical properties (such as structural, functional, and spatial information, amino acid conservation, physicochemical variation, residue mobility, and thermodynamic stability) indicates that this missense variant is expected to disrupt RAD50 protein function with a positive predictive value of 80%. In summary, the available evidence is currently insufficient to determine the role of this variant in disease. Therefore, it has been classified as a Variant of Uncertain Significance.

Ambry Genetics
Classification: Uncertain significance for Hereditary cancer-predisposing syndrome. Last evaluated: 2025-06-03. Review status: criteria provided, single submitter. Criteria: Ambry Variant Classification Scheme 2023. Collection method: clinical testing. Allele origin: germline.

Cancer Genomics Group, Japanese Foundation For Cancer Research
Classification: Uncertain significance for Hereditary breast and ovarian cancer syndrome. Last evaluated: 2019-05-01. Review status: criteria provided, single submitter. Criteria: ACMG Guidelines, 2015. Collection method: research. Allele origin: germline. Affected: yes.

NM_005732.4(RAD50):c.547A>G (p.Thr183Ala)

Gene: RAD50 (RAD50 double strand break repair protein; plus strand). Cytogenetic location: 5q31.1.
Variant type: single nucleotide variant.
Coding change: c.547A>G on transcript NM_005732.4 (MANE Select); coding-DNA position 547, A replaced by G.
Protein change: p.Thr183Ala; replaces threonine 183 with alanine.
Molecular consequence: missense variant.
Genome position (GRCh38, 1-based): chr5:132,579,498, A>G. VCF-style: chr5-132579498-A-G. GRCh37 (hg19) VCF-style: chr5-131915190-A-G.
Other names: short protein forms T183A.
Identifiers: ClinVar variation 830253 (VCV000830253.16), dbSNP rs1029393718, ClinGen allele CA127237493.
Genomic context (GRCh38, chr5:132,579,498, plus strand): 5'-AATTGGCCTTTAAGTGAAGGAAAGGCTTTGAAGCAAAAGTTTGATGAGATTTTTTCAGCA[A>G]CAAGGTTTGTAACCCTTAAATAGACTTTGTAGTCCATTAAGTTATTGAACTGTGTTTGCA-3'
Protein context (NP_005723.2, residues 173-193): KQKFDEIFSA[Thr183Ala]RYIKALETLR